The following is an entry in ClinVar:

ClinVar aggregate classification (germline): Uncertain significance (1 of 4 stars; one submission).

Conditions:
Charcot-Marie-Tooth disease type 4B2. Also called: Charcot-Marie-Tooth Neuropathy Type 4B2; CMT 4B2; CHARCOT-MARIE-TOOTH DISEASE, DEMYELINATING, TYPE 4B2; CHARCOT-MARIE-TOOTH DISEASE, WITH FOCALLY FOLDED MYELIN SHEATHS, AUTOSOMAL RECESSIVE, TYPE 4B2. Identifiers: Orphanet 99956, MedGen C1858278, MONDO:0011475, OMIM 604563.

Submission:

Gemeinschaftspraxis fuer Humangenetik Dresden
Classification: Uncertain significance for Charcot-Marie-Tooth disease type 4B2. Last evaluated: 2023-08-17. Review status: criteria provided, single submitter. Criteria: ACMG Guidelines, 2015. Collection method: clinical testing. Allele origin: unknown. Inheritance: Autosomal recessive inheritance. Affected: yes.
Comment: The variant is not reported in HGMD 2023.2, gnomAD (v2.1.1), dbSNP (v155) or LOVD (we submitted there) so far. There are no functional studies. In summary, the variant should currently be classified as uncertain significance.

NM_030962.4(SBF2):c.862-7C>G

Gene: SBF2 (SET binding factor 2; minus strand). Cytogenetic location: 11p15.4.
Variant type: single nucleotide variant.
Coding change: c.862-7C>G on transcript NM_030962.4 (MANE Select); 7 bases into the intron before coding-DNA position 862, C replaced by G.
Molecular consequence: intron variant.
Genome position (GRCh38, 1-based): chr11:9,998,386, G>C on the plus strand (C>G on the coding strand, the complement: SBF2 is on the minus strand). VCF-style: chr11-9998386-G-C. GRCh37 (hg19) VCF-style: chr11-10019933-G-C.
Other names: c.898-7C>G (NM_001424318.1); c.862-7C>G (NM_001386342.1, NM_001386339.1).
Identifiers: ClinVar variation 2691253 (VCV002691253.2), dbSNP rs1331644486, ClinGen allele CA2697548427.